The following is an entry in ClinVar:

ClinVar aggregate classification (germline): Uncertain significance (1 of 4 stars; one submission).

Conditions:
GPR143-related disorder. Also called: GPR143-related condition.

Allele frequency attached by ClinVar (database versions not stated): gnomAD exomes below 0.00001.
gnomAD v4.1: 1 of 1,192,221 alleles (0.000084%); highest among the groups gnomAD compares: Non-Finnish European, 0.00011%; no homozygotes.

Submission:

PreventionGenetics, part of Exact Sciences
Classification: Uncertain significance for GPR143-related condition. Last evaluated: 2023-06-16. Review status: criteria provided, single submitter. Criteria: ACMG Guidelines, 2015. Collection method: clinical testing. Allele origin: germline.
Comment: The GPR143 c.544T>G variant is predicted to result in the amino acid substitution p.Ser182Ala. To our knowledge, this variant has not been reported in the literature or in a large population database, indicating this variant is rare. At this time, the clinical significance of this variant is uncertain due to the absence of conclusive functional and genetic evidence.

NM_000273.3(GPR143):c.544T>G (p.Ser182Ala)

Gene: GPR143 (G protein-coupled receptor 143; minus strand). Cytogenetic location: Xp22.2.
Variant type: single nucleotide variant.
Coding change: c.544T>G on transcript NM_000273.3 (MANE Select); coding-DNA position 544, T replaced by G.
Protein change: p.Ser182Ala; replaces serine 182 with alanine.
Molecular consequence: missense variant.
Genome position (GRCh38, 1-based): chrX:9,748,578, A>C on the plus strand (T>G on the coding strand, the complement: GPR143 is on the minus strand). VCF-style: chrX-9748578-A-C. GRCh37 (hg19) VCF-style: chrX-9716618-A-C.
Other names: short protein forms S182A.
Identifiers: ClinVar variation 2632223 (VCV002632223.1), dbSNP rs2518630190, ClinGen allele CA411997571.